The following is an entry in ClinVar:

NM_139318.5(KCNH5):c.65G>A (p.Arg22His)

Gene: KCNH5 (potassium voltage-gated channel subfamily H member 5; minus strand). Cytogenetic location: 14q23.2.
Variant type: single nucleotide variant.
Coding change: c.65G>A on transcript NM_139318.5 (MANE Select); coding-DNA position 65, G replaced by A.
Protein change: p.Arg22His; replaces arginine 22 with histidine.
Molecular consequence: missense variant.
Genome position (GRCh38, 1-based): chr14:63,045,122, C>T on the plus strand (G>A on the coding strand, the complement: KCNH5 is on the minus strand). VCF-style: chr14-63045122-C-T. GRCh37 (hg19) VCF-style: chr14-63511840-C-T.
Other names: c.65G>A, p.Arg22His (NM_172375.3); short protein forms R22H.
Identifiers: ClinVar variation 2894273 (VCV002894273.3), dbSNP rs747700661, ClinGen allele CA7217789.

ClinVar aggregate classification (germline): Uncertain significance (1 of 4 stars; one submission).

Conditions:
Early-infantile DEE. Also called: Ohtahara syndrome; Early infantile epileptic encephalopathy with suppression bursts; Early infantile epileptic encephalopathy. Identifiers: Orphanet 1934, MedGen C0393706, MONDO:0800491.

Allele frequency attached by ClinVar (database versions not stated): TOPMed 0.00002; ExAC 0.00002.
gnomAD v4.1: 3 of 1,613,408 alleles (0.00019%); highest among the groups gnomAD compares: African/African-American, 0.004%; no homozygotes.

Submission:

Labcorp Genetics (formerly Invitae), Labcorp
Classification: Uncertain significance for Early-infantile DEE. Last evaluated: 2025-09-21. Review status: criteria provided, single submitter. Criteria: Invitae Variant Classification Sherloc (09022015). Collection method: clinical testing. Allele origin: germline.
Comment: This sequence change replaces arginine, which is basic and polar, with histidine, which is basic and polar, at codon 22 of the KCNH5 protein (p.Arg22His). This variant is present in population databases (rs747700661, gnomAD 0.01%). This variant has not been reported in the literature in individuals affected with KCNH5-related conditions. ClinVar contains an entry for this variant (Variation ID: 2894273). Invitae Evidence Modeling of protein sequence and biophysical properties (such as structural, functional, and spatial information, amino acid conservation, physicochemical variation, residue mobility, and thermodynamic stability) has been performed for this missense variant. However, the output from this modeling did not meet the statistical confidence thresholds required to predict the impact of this variant on KCNH5 protein function. In summary, the available evidence is currently insufficient to determine the role of this variant in disease. Therefore, it has been classified as a Variant of Uncertain Significance.